The following is an entry in ClinVar:

ClinVar aggregate classification (germline): Uncertain significance. Review status: criteria provided, multiple submitters, no conflicts (2 of 4 stars). 2 submissions from 2 submitters: Uncertain significance (2). Last evaluated 2025-10-27.

Conditions:
Hereditary cancer-predisposing syndrome. Also called: Tumor predisposition; Hereditary neoplastic syndrome; Hereditary Cancer Syndrome; Neoplastic Syndromes, Hereditary. Identifiers: Orphanet 140162, MedGen C0027672, MeSH D009386, MONDO:0015356.
Parathyroid carcinoma (PRTC). Also called: CDC73-Related Parathyroid Carcinoma; Parathyroid gland carcinoma. Identifiers: Orphanet 143, MedGen C0687150, MONDO:0012004, OMIM 608266, HP:0006780.

Allele frequency attached by ClinVar (database versions not stated): gnomAD exomes below 0.00001; TOPMed below 0.00001.
gnomAD v4.1: 7 of 1,613,168 alleles (0.00043%); highest among the groups gnomAD compares: Middle Eastern, 0.017%; no homozygotes.

Submissions (2):

Labcorp Genetics (formerly Invitae), Labcorp
Classification: Uncertain significance for Parathyroid carcinoma. Last evaluated: 2025-10-27. Review status: criteria provided, single submitter. Criteria: Invitae Variant Classification Sherloc (09022015). Collection method: clinical testing. Allele origin: germline.
Comment: This sequence change replaces arginine, which is basic and polar, with tryptophan, which is neutral and slightly polar, at codon 330 of the CDC73 protein (p.Arg330Trp). This variant is present in population databases (no rsID available, gnomAD 0.006%). This variant has not been reported in the literature in individuals affected with CDC73-related conditions. ClinVar contains an entry for this variant (Variation ID: 936049). Invitae Evidence Modeling of protein sequence and biophysical properties (such as structural, functional, and spatial information, amino acid conservation, physicochemical variation, residue mobility, and thermodynamic stability) indicates that this missense variant is not expected to disrupt CDC73 protein function with a negative predictive value of 80%. In summary, the available evidence is currently insufficient to determine the role of this variant in disease. Therefore, it has been classified as a Variant of Uncertain Significance.

Ambry Genetics
Classification: Uncertain significance for Hereditary cancer-predisposing syndrome. Last evaluated: 2025-01-04. Review status: criteria provided, single submitter. Criteria: Ambry Variant Classification Scheme 2023. Collection method: clinical testing. Allele origin: germline.
Comment: The p.R330W variant (also known as c.988C>T), located in coding exon 11 of the CDC73 gene, results from a C to T substitution at nucleotide position 988. The arginine at codon 330 is replaced by tryptophan, an amino acid with dissimilar properties. This amino acid position is highly conserved in available vertebrate species. In addition, the in silico prediction for this alteration is inconclusive. Since supporting evidence is limited at this time, the clinical significance of this alteration remains unclear.

NM_024529.5(CDC73):c.988C>T (p.Arg330Trp)

Gene: CDC73 (cell division cycle 73; plus strand). Cytogenetic location: 1q31.2.
Variant type: single nucleotide variant.
Coding change: c.988C>T on transcript NM_024529.5 (MANE Select); coding-DNA position 988, C replaced by T.
Protein change: p.Arg330Trp; replaces arginine 330 with tryptophan.
Molecular consequence: missense variant.
Genome position (GRCh38, 1-based): chr1:193,203,810, C>T. VCF-style: chr1-193203810-C-T. GRCh37 (hg19) VCF-style: chr1-193172940-C-T.
Other names: short protein forms R330W.
Identifiers: ClinVar variation 936049 (VCV000936049.14), dbSNP rs1244272523, ClinGen allele CA344076108.